The following is an entry in ClinVar:

NM_000179.3(MSH6):c.4002-4dup

Gene: MSH6 (mutS homolog 6; plus strand). Cytogenetic location: 2p16.3.
Variant type: Duplication.
Coding change: c.4002-4dup on transcript NM_000179.3 (MANE Select); 4 bases into the intron before coding-DNA position 4002, one base duplicated (T; older notation c.4002-4dupT).
Molecular consequence: intron variant.
Genome position (GRCh38, 1-based): chr2:47,806,775, T duplicated; the last of 4 consecutive T bases (chr2:47,806,772-47,806,775); duplicating any one gives the same sequence. VCF-style (leftmost placement, unchanged base first): chr2-47806771-A-AT. GRCh37 (hg19) VCF-style: chr2-48033910-A-AT.
Other names: c.3096-4dup (NM_001281493.2, NM_001281494.2); c.3612-4dup (NM_001281492.2); c.4002-4dup (NM_000179.2).
Identifiers: ClinVar variation 1169672 (VCV001169672.12), dbSNP rs1572749758, ClinGen allele CA2499216154.
Genomic context (GRCh38, chr2:47,806,771, plus strand): 5'-AAAAGGGGAAGGGATGATGCACTATGAAAAAACAAAAAAACTTTTTTTTTTTTTTTTTTA[A>AT]TTTTAAGGGAAGTTTGCCTGGCTAGTGAAAGGTCAACTGTAGATGCTGAAGCTGTCCATA-3'

ClinVar aggregate classification (germline): Conflicting classifications of pathogenicity. Review status: criteria provided, conflicting classifications (1 of 4 stars). 4 submissions from 4 submitters: Uncertain significance (1); Benign (1); Likely benign (2). Last evaluated 2025-12-13.

Conditions:
Hereditary nonpolyposis colorectal neoplasms. Identifiers: MedGen C0009405, MeSH D003123.
Hereditary cancer-predisposing syndrome. Also called: Hereditary Cancer Syndrome; Hereditary neoplastic syndrome; Neoplastic Syndromes, Hereditary; Tumor predisposition. Identifiers: Orphanet 140162, MedGen C0027672, MeSH D009386, MONDO:0015356.
Lynch syndrome 5 (LYNCH5). Also called: Colorectal cancer, hereditary nonpolyposis, type 5; Hereditary non-polyposis colorectal cancer, type 5. Identifiers: Orphanet 144, MedGen C1833477, MONDO:0013710, OMIM 614350. Disease mechanism: loss of function.

Submissions (4):

Labcorp Genetics (formerly Invitae), Labcorp
Classification: Benign for Hereditary nonpolyposis colorectal neoplasms. Last evaluated: 2025-12-13. Review status: criteria provided, single submitter. Criteria: Invitae Variant Classification Sherloc (09022015). Collection method: clinical testing. Allele origin: germline.

Quest Diagnostics Nichols Institute San Juan Capistrano
Classification: Uncertain significance. Last evaluated: 2025-03-14. Review status: criteria provided, single submitter. Criteria: Quest Diagnostics criteria. Collection method: clinical testing. Allele origin: unknown.
Comment: The MSH6 c.4002-4dup variant has not been reported in individuals with MSH6-related conditions in the published literature. It also has not been reported in large, multi-ethnic general populations (Genome Aggregation Database). Analysis of this variant using software algorithms for the prediction of the effect of nucleotide changes on splicing yielded predictions that this variant does not affect MSH6 mRNA splicing. Based on the available information, we are unable to determine the clinical significance of this variant.

Myriad Genetics, Inc.
Classification: Likely benign for Lynch syndrome 5. Last evaluated: 2025-01-09. Review status: criteria provided, single submitter. Criteria: Myriad Autosomal Dominant, Autosomal Recessive and X-Linked Classification Criteria (2023). Collection method: clinical testing. Allele origin: unknown.
Comment: This variant is considered likely benign. This variant is intronic and is not expected to impact mRNA splicing.

Color Diagnostics, LLC DBA Color Health
Classification: Likely benign for Hereditary cancer-predisposing syndrome. Last evaluated: 2024-06-03. Review status: criteria provided, single submitter. Criteria: ACMG Guidelines, 2015. Collection method: clinical testing. Allele origin: germline.